The following is an entry in ClinVar:

ClinVar aggregate classification (germline): Likely pathogenic (1 of 4 stars; one submission).

Submission:

GeneDx
Classification: Likely pathogenic. Last evaluated: 2018-12-10. Review status: criteria provided, single submitter. Criteria: GeneDx Variant Classification (06012015). Collection method: clinical testing. Allele origin: germline. Affected: yes.
Comment: A variant that is likely pathogenic has been identified in the ATP1A2 gene. The c.1135delC variant has not been published as a pathogenic variant, nor has it been reported as a benign variant to our knowledge. The c.1135delC variant causes a frameshift starting with codon Leucine 379, changes this amino acid to a Serine residue and creates a premature Stop codon at position 6 of the new reading frame, denoted p.Leu379SerfsX6. This variant is predicted to cause loss of normal protein function either through protein truncation or nonsense-mediated mRNA decay. The c.1135delC variant is not observed in large population cohorts (Lek et al., 2016). This variant is likely pathogenic; however, the possibility that it is benign cannot be excluded.

NM_000702.4(ATP1A2):c.1135del (p.Leu379fs)

Gene: ATP1A2 (ATPase Na+/K+ transporting subunit alpha 2; plus strand). Cytogenetic location: 1q23.2.
Variant type: Deletion.
Coding change: c.1135del on transcript NM_000702.4 (MANE Select); coding-DNA position 1135, one base deleted (C; older notation c.1135delC).
Protein change: p.Leu379fs; shifts the reading frame from leucine 379.
Molecular consequence: frameshift variant.
Genome position (GRCh38, 1-based): chr1:160,128,769, C deleted; the last of 3 consecutive C bases (chr1:160,128,767-160,128,769); deleting any one gives the same sequence. VCF-style (leftmost placement, unchanged base first): chr1-160128766-AC-A. GRCh37 (hg19) VCF-style: chr1-160098556-AC-A.
Other names: short protein forms L379fs.
Identifiers: ClinVar variation 817931 (VCV000817931.1), dbSNP rs1570988755, ClinGen allele CA915941485.